The following is an entry in ClinVar:

NM_031220.4(PITPNM3):c.478G>A (p.Val160Met)

Gene: PITPNM3 (PITPNM family member 3; minus strand). Cytogenetic location: 17p13.2.
Variant type: single nucleotide variant.
Coding change: c.478G>A on transcript NM_031220.4 (MANE Select); coding-DNA position 478, G replaced by A.
Protein change: p.Val160Met; replaces valine 160 with methionine.
Molecular consequence: missense variant.
Genome position (GRCh38, 1-based): chr17:6,483,626, C>T on the plus strand (G>A on the coding strand, the complement: PITPNM3 is on the minus strand). VCF-style: chr17-6483626-C-T. GRCh37 (hg19) VCF-style: chr17-6386946-C-T.
Other names: c.370G>A, p.Val124Met (NM_001165966.2); short protein forms V124M, V160M.
Identifiers: ClinVar variation 1490690 (VCV001490690.8), dbSNP rs145057485, ClinGen allele CA8329815.

ClinVar aggregate classification (germline): Uncertain significance (1 of 4 stars; one submission).

Allele frequency attached by ClinVar (database versions not stated): gnomAD exomes 0.00005; ExAC 0.00006; ESP Exome Variant Server 0.00008; 1000 Genomes Project 30x 0.00047; 1000 Genomes Project 0.00060.
gnomAD v4.1: 32 of 1,614,084 alleles (0.002%); highest among the groups gnomAD compares: East Asian, 0.027%; no homozygotes.

Submission:

Labcorp Genetics (formerly Invitae), Labcorp
Classification: Uncertain significance. Last evaluated: 2022-06-13. Review status: criteria provided, single submitter. Criteria: Invitae Variant Classification Sherloc (09022015). Collection method: clinical testing. Allele origin: germline.
Comment: In summary, the available evidence is currently insufficient to determine the role of this variant in disease. Therefore, it has been classified as a Variant of Uncertain Significance. Algorithms developed to predict the effect of missense changes on protein structure and function are either unavailable or do not agree on the potential impact of this missense change (SIFT: "Deleterious"; PolyPhen-2: "Probably Damaging"; Align-GVGD: "Class C0"). This variant has not been reported in the literature in individuals affected with PITPNM3-related conditions. This variant is present in population databases (rs145057485, gnomAD 0.02%). This sequence change replaces valine, which is neutral and non-polar, with methionine, which is neutral and non-polar, at codon 160 of the PITPNM3 protein (p.Val160Met).